The following is an entry in ClinVar:

ClinVar aggregate classification (germline): Uncertain significance. Review status: criteria provided, multiple submitters, no conflicts (2 of 4 stars). 4 submissions from 4 submitters: Uncertain significance (4). Last evaluated 2024-03-19.

Conditions:
Hereditary cancer-predisposing syndrome. Also called: Neoplastic Syndromes, Hereditary; Hereditary neoplastic syndrome; Tumor predisposition; Hereditary Cancer Syndrome. Identifiers: Orphanet 140162, MedGen C0027672, MeSH D009386, MONDO:0015356.
Familial adenomatous polyposis 2. Also called: COLORECTAL ADENOMATOUS POLYPOSIS, AUTOSOMAL RECESSIVE; MYH-associated polyposis; FAP type 2; MUTYH-related attenuated familial adenomatous polyposis; MUTYH-associated polyposis; MUTYH Polyposis. Identifiers: Orphanet 220460, Orphanet 247798, MedGen C3272841, MONDO:0012041, OMIM 608456.

Allele frequency attached by ClinVar (database versions not stated): gnomAD 0.00001; TOPMed below 0.00001.
gnomAD v4.1: 1 of 1,613,648 alleles (0.000062%); highest among the groups gnomAD compares: Non-Finnish European, 0.000085%; no homozygotes.

Submissions (4):

Labcorp Genetics (formerly Invitae), Labcorp
Classification: Uncertain significance for Familial adenomatous polyposis 2. Last evaluated: 2024-03-19. Review status: criteria provided, single submitter. Criteria: Invitae Variant Classification Sherloc (09022015). Collection method: clinical testing. Allele origin: germline.
Comment: This sequence change falls in intron 1 of the MUTYH gene. It does not directly change the encoded amino acid sequence of the MUTYH protein. It affects a nucleotide within the consensus splice site. This variant is not present in population databases (gnomAD no frequency). This variant has not been reported in the literature in individuals affected with MUTYH-related conditions. ClinVar contains an entry for this variant (Variation ID: 230475). Variants that disrupt the consensus splice site are a relatively common cause of aberrant splicing (PMID: 17576681, 9536098). Studies have shown that this variant is associated with inconclusive levels of altered splicing (Invitae). In summary, the available evidence is currently insufficient to determine the role of this variant in disease. Therefore, it has been classified as a Variant of Uncertain Significance.

Ambry Genetics
Classification: Uncertain significance for Hereditary cancer-predisposing syndrome. Last evaluated: 2023-06-08. Review status: criteria provided, single submitter. Criteria: Ambry Variant Classification Scheme 2023. Collection method: clinical testing. Allele origin: germline.
Comment: The c.36+5G>A intronic variant results from a G to A substitution 5 nucleotides after coding exon 1 in the MUTYH gene. This nucleotide position is not well conserved in available vertebrate species. In silico splice site analysis predicts that this alteration will weaken the native splice donor site; however, direct evidence is insufficient at this time (Ambry internal data). Since supporting evidence is limited at this time, the clinical significance of this alteration remains unclear.

Baylor Genetics
Classification: Uncertain significance for Familial adenomatous polyposis 2. Last evaluated: 2023-05-05. Review status: criteria provided, single submitter. Criteria: ACMG Guidelines, 2015. Collection method: clinical testing. Allele origin: unknown.

Quest Diagnostics Nichols Institute San Juan Capistrano
Classification: Uncertain significance. Last evaluated: 2016-08-05. Review status: criteria provided, single submitter. Criteria: Quest Diagnostics criteria. Collection method: clinical testing. Allele origin: germline.

Literature cited by the submitters: PubMed 17576681 (cited by Labcorp Genetics (formerly Invitae), Labcorp); PubMed 9536098 (cited by Labcorp Genetics (formerly Invitae), Labcorp); PubMed 12056405 (cited by Quest Diagnostics Nichols Institute San Juan Capistrano).

NM_001128425.2(MUTYH):c.36+5G>A

Genes: MUTYH (mutY DNA glycosylase; minus strand), TOE1 (target of EGR1, exonuclease; plus strand). Cytogenetic location: 1p34.1.
Variant type: single nucleotide variant.
Coding change: c.36+5G>A on transcript NM_001128425.2 (MANE Plus Clinical); 5 bases into the intron after coding-DNA position 36, G replaced by A.
Molecular consequence: intron variant. On other transcripts: 5 prime UTR variant (3).
Genome position (GRCh38, 1-based): chr1:45,340,214, C>T on the plus strand (G>A on the coding strand, the complement: MUTYH is on the minus strand). VCF-style: chr1-45340214-C-T. GRCh37 (hg19) VCF-style: chr1-45805886-C-T.
Other names: c.-39C>T (NM_025077.4); c.-18G>A (NM_001407070.1, NM_001407071.1); c.-7+9G>A (NM_001407072.1); c.-214+5G>A (NM_001350651.2); c.-219+5G>A (NM_001293192.2); c.-278+5G>A (NM_001350650.2); c.36+5G>A (NM_001407073.1, NM_001293190.2, NM_001407069.1 and 1 more transcripts); c.-7+5G>A (NM_001048171.2).
Identifiers: ClinVar variation 230475 (VCV000230475.53), dbSNP rs876658588, ClinGen allele CA10577753.